The following is an entry in ClinVar:

ClinVar aggregate classification (germline): Uncertain significance. Review status: criteria provided, multiple submitters, no conflicts (2 of 4 stars). 2 submissions from 2 submitters: Uncertain significance (2). Last evaluated 2022-03-07.

Conditions:
Autosomal recessive limb-girdle muscular dystrophy type 2J (LGMDR10). Also called: Limb-girdle muscular dystrophy, type 2J; MUSCULAR DYSTROPHY, LIMB-GIRDLE, AUTOSOMAL RECESSIVE 10. Identifiers: Orphanet 140922, MedGen C1837342, MONDO:0012127, OMIM 608807.
Dilated cardiomyopathy 1G (CMD1G). Identifiers: Orphanet 154, MedGen C1858763, MONDO:0011400, OMIM 604145.
Cardiovascular phenotype. Identifiers: MedGen CN230736.

Allele frequency attached by ClinVar (database versions not stated): gnomAD exomes below 0.00001; ExAC 0.00001.
gnomAD v4.1: 1 of 1,611,008 alleles (0.000062%); highest among the groups gnomAD compares: Non-Finnish European, 0.000085%; no homozygotes.

Submissions (2):

Ambry Genetics
Classification: Uncertain significance for Cardiovascular phenotype. Last evaluated: 2022-03-07. Review status: criteria provided, single submitter. Criteria: Ambry Variant Classification Scheme 2023. Collection method: clinical testing. Allele origin: germline.
Comment: The c.25434A>G variant (also known as p.R8478R), located in coding exon 102 of the TTN gene, results from an A to G substitution at nucleotide position 25434. This nucleotide substitution does not change the arginine at codon 8478. This nucleotide position is well conserved in available vertebrate species. In silico splice site analysis for this alteration is inconclusive. Since supporting evidence is limited at this time, the clinical significance of this alteration remains unclear.

Labcorp Genetics (formerly Invitae), Labcorp
Classification: Uncertain significance for Dilated cardiomyopathy 1G; Autosomal recessive limb-girdle muscular dystrophy type 2J. Last evaluated: 2017-03-22. Review status: criteria provided, single submitter. Criteria: Invitae Variant Classification Sherloc (09022015). Collection method: clinical testing. Allele origin: germline.

NM_001267550.2(TTN):c.52629A>G (p.Arg17543=)

Genes: TTN (titin; minus strand), TTN-AS1 (TTN antisense RNA 1; plus strand), LOC126806425 (BRD4-independent group 4 enhancer GRCh37_chr2:179471933-179473132; plus strand). Cytogenetic location: 2q31.2.
Variant type: single nucleotide variant.
Coding change: c.52629A>G on transcript NM_001267550.2 (MANE Select); coding-DNA position 52629, A replaced by G.
Protein change: p.Arg17543=; no amino-acid change (arginine 17543 retained).
Molecular consequence: synonymous variant. On other transcripts: non-coding transcript variant (1).
Genome position (GRCh38, 1-based): chr2:178,608,254, T>C on the plus strand (A>G on the coding strand, the complement: TTN is on the minus strand). VCF-style: chr2-178608254-T-C. GRCh37 (hg19) VCF-style: chr2-179472981-T-C.
Other names: c.47706A>G, p.Arg15902= (NM_001256850.1); c.25434A>G, p.Arg8478= (NM_003319.4); c.44925A>G, p.Arg14975= (NM_133378.4); c.25809A>G, p.Arg8603= (NM_133432.3); c.26010A>G, p.Arg8670= (NM_133437.4).
Identifiers: ClinVar variation 467249 (VCV000467249.5), dbSNP rs748001472, ClinGen allele CA1993959.